The following is an entry in ClinVar:

NM_001100913.3(PACS2):c.2695C>T (p.His899Tyr)

Gene: PACS2 (phosphofurin acidic cluster sorting protein 2; plus strand). Cytogenetic location: 14q32.33.
Variant type: single nucleotide variant.
Coding change: c.2695C>T on transcript NM_001100913.3 (MANE Select); coding-DNA position 2695, C replaced by T.
Protein change: p.His899Tyr; replaces histidine 899 with tyrosine.
Molecular consequence: missense variant.
Genome position (GRCh38, 1-based): chr14:105,394,652, C>T. VCF-style: chr14-105394652-C-T. GRCh37 (hg19) VCF-style: chr14-105860989-C-T.
Other names: c.2425C>T, p.His809Tyr (NM_001243127.3); c.2650C>T, p.His884Tyr (NM_015197.4); short protein forms H884Y, H899Y, H809Y.
Identifiers: ClinVar variation 1489404 (VCV001489404.8), dbSNP rs991387503, ClinGen allele CA266585200.

ClinVar aggregate classification (germline): Uncertain significance (1 of 4 stars; one submission).

Allele frequency attached by ClinVar (database versions not stated): gnomAD exomes 0.00001; TOPMed 0.00002; gnomAD 0.00003 and 0.00004.
gnomAD v4.1: 18 of 1,612,348 alleles (0.0011%); highest among the groups gnomAD compares: Non-Finnish European, 0.0014%; no homozygotes.

Submission:

Labcorp Genetics (formerly Invitae), Labcorp
Classification: Uncertain significance. Last evaluated: 2025-12-13. Review status: criteria provided, single submitter. Criteria: Invitae Variant Classification Sherloc (09022015). Collection method: clinical testing. Allele origin: germline.
Comment: This sequence change replaces histidine, which is basic and polar, with tyrosine, which is neutral and polar, at codon 899 of the PACS2 protein (p.His899Tyr). This variant is present in population databases (no rsID available, gnomAD 0.01%). This variant has not been reported in the literature in individuals affected with PACS2-related conditions. ClinVar contains an entry for this variant (Variation ID: 1489404). Invitae Evidence Modeling of protein sequence and biophysical properties (such as structural, functional, and spatial information, amino acid conservation, physicochemical variation, residue mobility, and thermodynamic stability) indicates that this missense variant is not expected to disrupt PACS2 protein function with a negative predictive value of 80%. In summary, the available evidence is currently insufficient to determine the role of this variant in disease. Therefore, it has been classified as a Variant of Uncertain Significance.